The following is an entry in ClinVar:

NM_007294.4(BRCA1):c.4638T>G (p.Asp1546Glu)

Gene: BRCA1 (BRCA1 DNA repair associated; minus strand). Cytogenetic location: 17q21.31.
Variant type: single nucleotide variant.
Coding change: c.4638T>G on transcript NM_007294.4 (MANE Select); coding-DNA position 4638, T replaced by G.
Protein change: p.Asp1546Glu; replaces aspartic acid 1546 with glutamic acid.
Molecular consequence: missense variant. On other transcripts: non-coding transcript variant (1).
Genome position (GRCh38, 1-based): chr17:43,074,368, A>C on the plus strand (T>G on the coding strand, the complement: BRCA1 is on the minus strand). VCF-style: chr17-43074368-A-C. GRCh37 (hg19) VCF-style: chr17-41226385-A-C.
Other names: 4757T>G; c.4425T>G, p.Asp1475Glu (NM_001407571.1, NM_001407894.1, NM_001407895.1 and 12 more transcripts); c.4704T>G, p.Asp1568Glu (NM_001407581.1, NM_001407582.1); c.4701T>G, p.Asp1567Glu (NM_001407583.1, NM_001407585.1, NM_001407587.1 and 1 more transcripts); c.4698T>G, p.Asp1566Glu (NM_001407590.1, NM_001407591.1); c.4638T>G, p.Asp1546Glu (NM_001407593.1, NM_001407594.1, NM_001407596.1 and 8 more transcripts); c.4635T>G, p.Asp1545Glu (NM_001407610.1, NM_001407611.1, NM_001407612.1 and 17 more transcripts); c.4632T>G, p.Asp1544Glu (NM_001407627.1, NM_001407628.1, NM_001407629.1 and 14 more transcripts); and 69 more; short protein forms D1546E, D1499E, D1567E, D442E, D1417E, D1418E, D1456E, D1474E.
Identifiers: ClinVar variation 37601 (VCV000037601.23), dbSNP rs397507235, ClinGen allele CA002938.

ClinVar aggregate classification (germline): Conflicting classifications of pathogenicity. Review status: criteria provided, conflicting classifications (1 of 4 stars). 5 submissions from 5 submitters: Uncertain significance (2); Likely benign (2). 1 of the submissions does not count toward it. Last evaluated 2026-01-28.

Conditions:
Hereditary cancer-predisposing syndrome. Also called: Tumor predisposition; Neoplastic Syndromes, Hereditary; Hereditary Cancer Syndrome; Hereditary neoplastic syndrome. Identifiers: Orphanet 140162, MedGen C0027672, MeSH D009386, MONDO:0015356.
Hereditary breast ovarian cancer syndrome. Also called: Hereditary breast and ovarian cancer syndrome (HBOC); Hereditary breast and ovarian cancer syndrome; Hereditary breast and ovarian cancer; Hereditary breast and/or ovarian cancer syndrome; Breast and ovarian cancer; BRCA1- and BRCA2-Associated Hereditary Breast and Ovarian Cancer. Identifiers: Orphanet 145, MedGen C0677776, MeSH D061325, MONDO:0003582. Disease mechanism: loss of function.
Breast-ovarian cancer, familial, susceptibility to, 1 (BROVCA1). Also called: OVARIAN CANCER, SUSCEPTIBILITY TO; BRCA1 Hereditary Breast and Ovarian Cancer. Identifiers: Orphanet 145, MedGen C2676676, MONDO:0011450, OMIM 604370. Disease mechanism: loss of function.

Submissions (5):

Labcorp Genetics (formerly Invitae), Labcorp
Classification: Likely benign for Hereditary breast ovarian cancer syndrome. Last evaluated: 2026-01-28. Review status: criteria provided, single submitter. Criteria: Invitae Variant Classification Sherloc (09022015). Collection method: clinical testing. Allele origin: germline.

Ambry Genetics
Classification: Uncertain significance for Hereditary cancer-predisposing syndrome. Last evaluated: 2025-01-30. Review status: criteria provided, single submitter. Criteria: Ambry Variant Classification Scheme 2023. Collection method: clinical testing. Allele origin: germline.
Comment: The p.D1546E variant (also known as c.4638T>G), located in coding exon 13 of the BRCA1 gene, results from a T to G substitution at nucleotide position 4638. The aspartic acid at codon 1546 is replaced by glutamic acid, an amino acid with highly similar properties. This amino acid position is not well conserved in available vertebrate species. In addition, the in silico prediction for this alteration is inconclusive. Based on the available evidence, the clinical significance of this variant remains unclear.

Color Diagnostics, LLC DBA Color Health
Classification: Uncertain significance for Hereditary cancer-predisposing syndrome. Last evaluated: 2021-09-18. Review status: criteria provided, single submitter. Criteria: ACMG Guidelines, 2015. Collection method: clinical testing. Allele origin: germline.
Comment: This missense variant replaces aspartic acid with glutamic acid at codon 1546 of the BRCA1 protein. Computational prediction is inconclusive regarding the impact of this variant on protein structure and function (internally defined REVEL score threshold 0.5 < inconclusive < 0.7, PMID: 27666373). To our knowledge, functional studies have not been reported for this variant. This variant has not been reported in individuals affected with hereditary cancer in the literature. This variant has not been identified in the general population by the Genome Aggregation Database (gnomAD). The available evidence is insufficient to determine the role of this variant in disease conclusively. Therefore, this variant is classified as a Variant of Uncertain Significance.

GeneDx
Classification: Likely benign. Last evaluated: 2019-01-28. Review status: criteria provided, single submitter. Criteria: GeneDx Variant Classification Process June 2021. Collection method: clinical testing. Allele origin: germline. Affected: yes.
Comment: This variant is associated with the following publications: (PMID: 25722345, 28508593, 30212499)

Sharing Clinical Reports Project (SCRP)
Classification: Benign for Breast-ovarian cancer, familial 1. Last evaluated: 2011-07-19. Review status: no assertion criteria provided. Collection method: clinical testing. Allele origin: germline. Not counted in ClinVar's aggregate classification.